The following is an entry in ClinVar:

NM_006295.3(VARS1):c.2884C>T (p.Arg962Cys)

Gene: VARS1 (valyl-tRNA synthetase 1; minus strand). Cytogenetic location: 6p21.33.
Variant type: single nucleotide variant.
Coding change: c.2884C>T on transcript NM_006295.3 (MANE Select); coding-DNA position 2884, C replaced by T.
Protein change: p.Arg962Cys; replaces arginine 962 with cysteine.
Molecular consequence: missense variant.
Genome position (GRCh38, 1-based): chr6:31,780,482, G>A on the plus strand (C>T on the coding strand, the complement: VARS1 is on the minus strand). VCF-style: chr6-31780482-G-A. GRCh37 (hg19) VCF-style: chr6-31748259-G-A.
Other names: short protein forms R962C.
Identifiers: ClinVar variation 3188178 (VCV003188178.2), dbSNP rs780044529, ClinGen allele CA3722818.
Genomic context (GRCh38, chr6:31,780,482, plus strand): 5'-CTGCCCACCAGGCCCTTACCTGGGAGGTGGGTGAGGGCACAAAACCCTTCCCAAGGCCAC[G>A]AAGGGCAAACTTGGTGGCATTCCAGAGCTTGTTGCAGAAGTGGCGGTAACCCAGTATCCG-3'
Protein context (NP_006286.1, residues 952-972): KLWNATKFAL[Arg962Cys]GLGKGFVPSP

ClinVar aggregate classification (germline): Uncertain significance. Review status: criteria provided, multiple submitters, no conflicts (2 of 4 stars). 2 submissions from 2 submitters: Uncertain significance (2). Last evaluated 2025-06-12.

Conditions:
Inborn genetic diseases. Identifiers: MedGen C0950123, MeSH D030342.

Allele frequency attached by ClinVar (database versions not stated): gnomAD exomes 0.00001; ExAC 0.00002; gnomAD 0.00003; TOPMed 0.00004.
gnomAD v4.1: 26 of 1,613,896 alleles (0.0016%); highest among the groups gnomAD compares: Non-Finnish European, 0.0019%; no homozygotes.

Submissions (2):

Labcorp Genetics (formerly Invitae), Labcorp
Classification: Uncertain significance. Last evaluated: 2025-06-12. Review status: criteria provided, single submitter. Criteria: Invitae Variant Classification Sherloc (09022015). Collection method: clinical testing. Allele origin: germline.
Comment: This sequence change replaces arginine, which is basic and polar, with cysteine, which is neutral and slightly polar, at codon 962 of the VARS1 protein (p.Arg962Cys). This variant is present in population databases (rs780044529, gnomAD 0.003%). This variant has not been reported in the literature in individuals affected with VARS1-related conditions. ClinVar contains an entry for this variant (Variation ID: 3188178). Invitae Evidence Modeling of protein sequence and biophysical properties (such as structural, functional, and spatial information, amino acid conservation, physicochemical variation, residue mobility, and thermodynamic stability) indicates that this missense variant is not expected to disrupt VARS1 protein function with a negative predictive value of 80%. In summary, the available evidence is currently insufficient to determine the role of this variant in disease. Therefore, it has been classified as a Variant of Uncertain Significance.

Ambry Genetics
Classification: Uncertain significance for Inborn genetic diseases. Last evaluated: 2023-10-30. Review status: criteria provided, single submitter. Criteria: Ambry Variant Classification Scheme 2023. Collection method: clinical testing. Allele origin: germline.